The following is an entry in ClinVar:

ClinVar aggregate classification (germline): Uncertain significance (1 of 4 stars; one submission).

Conditions:
Myofibrillar myopathy 5. Also called: Filaminopathy (type); FILAMINOPATHY, AUTOSOMAL DOMINANT. Identifiers: Orphanet 171445, MedGen C1836050, MONDO:0012289, OMIM 609524.
Distal myopathy with posterior leg and anterior hand involvement. Also called: WILLIAMS DISTAL MYOPATHY. Identifiers: Orphanet 63273, MedGen C3279722, MONDO:0013550, OMIM 614065.
Hypertrophic cardiomyopathy 26. Also called: Cardiomyopathy, familial hypertrophic, 26. Identifiers: Orphanet 75249, MedGen C4310749, MONDO:0014883, OMIM 617047.

Allele frequency attached by ClinVar (database versions not stated): gnomAD exomes below 0.00001.

Submission:

Labcorp Genetics (formerly Invitae), Labcorp
Classification: Uncertain significance for Distal myopathy with posterior leg and anterior hand involvement; Myofibrillar myopathy 5; Hypertrophic cardiomyopathy 26. Last evaluated: 2025-01-17. Review status: criteria provided, single submitter. Criteria: Invitae Variant Classification Sherloc (09022015). Collection method: clinical testing. Allele origin: germline.
Comment: This sequence change replaces alanine, which is neutral and non-polar, with proline, which is neutral and non-polar, at codon 1368 of the FLNC protein (p.Ala1368Pro). This variant is not present in population databases (gnomAD no frequency). This variant has not been reported in the literature in individuals affected with FLNC-related conditions. ClinVar contains an entry for this variant (Variation ID: 2935639). Invitae Evidence Modeling of protein sequence and biophysical properties (such as structural, functional, and spatial information, amino acid conservation, physicochemical variation, residue mobility, and thermodynamic stability) has been performed for this missense variant. However, the output from this modeling did not meet the statistical confidence thresholds required to predict the impact of this variant on FLNC protein function. In summary, the available evidence is currently insufficient to determine the role of this variant in disease. Therefore, it has been classified as a Variant of Uncertain Significance.

NM_001458.5(FLNC):c.4102G>C (p.Ala1368Pro)

Gene: FLNC (filamin C; plus strand). Cytogenetic location: 7q32.1.
Variant type: single nucleotide variant.
Coding change: c.4102G>C on transcript NM_001458.5 (MANE Select); coding-DNA position 4102, G replaced by C.
Protein change: p.Ala1368Pro; replaces alanine 1368 with proline.
Molecular consequence: missense variant.
Genome position (GRCh38, 1-based): chr7:128,846,438, G>C. VCF-style: chr7-128846438-G-C. GRCh37 (hg19) VCF-style: chr7-128486492-G-C.
Other names: c.4102G>C, p.Ala1368Pro (NM_001127487.2); short protein forms A1368P.
Identifiers: ClinVar variation 2935639 (VCV002935639.3), dbSNP rs2128936903, ClinGen allele CA369199116.